The following is an entry in ClinVar:

ClinVar aggregate classification (germline): Likely benign (1 of 4 stars; one submission).

gnomAD v4.1: 183 of 1,494,648 alleles (0.012%); highest among the groups gnomAD compares: Admixed American, 0.031%; no homozygotes.

Submission:

CeGaT Center for Human Genetics Tuebingen
Classification: Likely benign. Last evaluated: 2026-06-01. Review status: criteria provided, single submitter. Criteria: CeGaT Center For Human Genetics Tuebingen Variant Classification Criteria Version 2. Collection method: clinical testing. Allele origin: germline. Affected: yes. Observed: 1 variant allele.
Comment: ADAT3: BP4, BP7

NM_138422.4(ADAT3):c.540C>T (p.Leu180=)

Genes: ADAT3 (adenosine deaminase tRNA specific 3; plus strand), SCAMP4 (secretory carrier membrane protein 4; plus strand). Cytogenetic location: 19p13.3.
Variant type: single nucleotide variant.
Coding change: c.540C>T on transcript NM_138422.4 (MANE Select); coding-DNA position 540, C replaced by T.
Protein change: p.Leu180=; no amino-acid change (leucine 180 retained).
Molecular consequence: synonymous variant. On other transcripts: intron variant (3).
Genome position (GRCh38, 1-based): chr19:1,912,587, C>T. VCF-style: chr19-1912587-C-T. GRCh37 (hg19) VCF-style: chr19-1912586-C-T.
Other names: c.492C>T, p.Leu164= (NM_001329533.2); c.-41-2392C>T (NM_079834.4, NM_001329540.2); c.-125-5107C>T (NM_001329539.2).
Identifiers: ClinVar variation 4872912 (VCV004872912.2).